The following is an entry in ClinVar:

ClinVar aggregate classification (germline): Uncertain significance. Review status: criteria provided, multiple submitters, no conflicts (2 of 4 stars). 3 submissions from 3 submitters: Uncertain significance (3). Last evaluated 2024-09-11.

Conditions:
Inborn genetic diseases. Identifiers: MedGen C0950123, MeSH D030342.
Charcot-Marie-Tooth disease type 2. Also called: Charcot-Marie-Tooth type 2. Identifiers: Orphanet 64746, MedGen C0270914, MONDO:0018993.

Allele frequency attached by ClinVar (database versions not stated): gnomAD 0.00003; gnomAD exomes 0.00001 and 0.00003; ExAC 0.00007; TOPMed 0.00166.
gnomAD v4.1: 96 of 1,608,000 alleles (0.006%); highest among the groups gnomAD compares: Non-Finnish European, 0.0014%; 7 homozygotes.

Submissions (3):

GeneDx
Classification: Uncertain significance. Last evaluated: 2024-09-11. Review status: criteria provided, single submitter. Criteria: GeneDx Variant Classification Process June 2021. Collection method: clinical testing. Allele origin: germline. Affected: yes.
Comment: In silico analysis indicates that this missense variant does not alter protein structure/function; Has not been previously published as pathogenic or benign to our knowledge

Ambry Genetics
Classification: Uncertain significance for Inborn genetic diseases. Last evaluated: 2024-01-08. Review status: criteria provided, single submitter. Criteria: Ambry Variant Classification Scheme 2023. Collection method: clinical testing. Allele origin: germline.

Labcorp Genetics (formerly Invitae), Labcorp
Classification: Uncertain significance for Charcot-Marie-Tooth disease type 2. Last evaluated: 2022-06-29. Review status: criteria provided, single submitter. Criteria: Invitae Variant Classification Sherloc (09022015). Collection method: clinical testing. Allele origin: germline.
Comment: This sequence change replaces proline, which is neutral and non-polar, with serine, which is neutral and polar, at codon 700 of the MED25 protein (p.Pro700Ser). This variant is present in population databases (rs745533616, gnomAD 0.008%). This variant has not been reported in the literature in individuals affected with MED25-related conditions. ClinVar contains an entry for this variant (Variation ID: 647090). Algorithms developed to predict the effect of missense changes on protein structure and function are either unavailable or do not agree on the potential impact of this missense change (SIFT: "Deleterious"; PolyPhen-2: "Probably Damaging"; Align-GVGD: "Class C0"). In summary, the available evidence is currently insufficient to determine the role of this variant in disease. Therefore, it has been classified as a Variant of Uncertain Significance.

NM_030973.4(MED25):c.2098C>T (p.Pro700Ser)

Gene: MED25 (mediator complex subunit 25; plus strand). Cytogenetic location: 19q13.33.
Variant type: single nucleotide variant.
Coding change: c.2098C>T on transcript NM_030973.4 (MANE Select); coding-DNA position 2098, C replaced by T.
Protein change: p.Pro700Ser; replaces proline 700 with serine.
Molecular consequence: missense variant.
Genome position (GRCh38, 1-based): chr19:49,836,358, C>T. VCF-style: chr19-49836358-C-T. GRCh37 (hg19) VCF-style: chr19-50339615-C-T.
Other names: c.2098C>T, p.Pro700Ser (NM_001378355.1); short protein forms P700S.
Identifiers: ClinVar variation 647090 (VCV000647090.9), dbSNP rs745533616, ClinGen allele CA9585472.